The following is an entry in ClinVar:

ClinVar aggregate classification (germline): Likely benign (0 of 4 stars; one submission).

Conditions:
KIDINS220-related disorder. Also called: KIDINS220-related condition.

gnomAD v4.1: 8 of 1,614,016 alleles (0.0005%); highest among the groups gnomAD compares: Non-Finnish European, 0.00068%; no homozygotes.

Submission:

PreventionGenetics, part of Exact Sciences
Classification: Likely benign for KIDINS220-related condition. Last evaluated: 2024-06-22. Review status: no assertion criteria provided. Collection method: clinical testing. Allele origin: germline.
Comment: This variant is classified as likely benign based on ACMG/AMP sequence variant interpretation guidelines (Richards et al. 2015 PMID: 25741868, with internal and published modifications).

NM_020738.4(KIDINS220):c.1770T>G (p.Thr590=)

Gene: KIDINS220 (kinase D interacting substrate 220; minus strand). Cytogenetic location: 2p25.1.
Variant type: single nucleotide variant.
Coding change: c.1770T>G on transcript NM_020738.4 (MANE Select); coding-DNA position 1770, T replaced by G.
Protein change: p.Thr590=; no amino-acid change (threonine 590 retained).
Molecular consequence: synonymous variant. On other transcripts: non-coding transcript variant (2).
Genome position (GRCh38, 1-based): chr2:8,788,664, A>C on the plus strand (T>G on the coding strand, the complement: KIDINS220 is on the minus strand). VCF-style: chr2-8788664-A-C. GRCh37 (hg19) VCF-style: chr2-8928794-A-C.
Other names: c.1773T>G, p.Thr591= (NM_001348729.2, NM_001348731.2, NM_001348734.2 and 3 more transcripts); c.1770T>G, p.Thr590= (NM_001348732.2, NM_001348735.2, NM_001348738.2 and 3 more transcripts); c.1644T>G, p.Thr548= (NM_001348736.2).
Identifiers: ClinVar variation 3346991 (VCV003346991.1).